The following is an entry in ClinVar:

NM_000239.3(LYZ):c.*890T>C

Gene: LYZ (lysozyme; plus strand). Cytogenetic location: 12q15.
Variant type: single nucleotide variant.
Coding change: c.*890T>C on transcript NM_000239.3 (MANE Select); 890 bases downstream of the stop codon, T replaced by C.
Molecular consequence: 3 prime UTR variant.
Genome position (GRCh38, 1-based): chr12:69,354,109, T>C. VCF-style: chr12-69354109-T-C. GRCh37 (hg19) VCF-style: chr12-69747889-T-C.
Identifiers: ClinVar variation 310355 (VCV000310355.6), dbSNP rs188271229, ClinGen allele CA10643277.

ClinVar aggregate classification (germline): Benign. Review status: criteria provided, multiple submitters, no conflicts (2 of 4 stars). 2 submissions from 2 submitters: Benign (2). Last evaluated 2018-01-12.

Conditions:
Familial visceral amyloidosis, Ostertag type (AMYLD2). Also called: AMYLOIDOSIS VIII; Ostertag type amyloidosis; Familial visceral amyloidosis; Hereditary Renal Amyloidosis; Amyloidosis, hepatic and systemic; AMYLOIDOSIS, HEREDITARY SYSTEMIC 2. Identifiers: Orphanet 85450, MedGen C0268389, MONDO:0007099, OMIM 105200.

Allele frequency attached by ClinVar (database versions not stated): 1000 Genomes Project 0.00200; gnomAD 0.00200 and 0.00204; 1000 Genomes Project 30x 0.00203; TOPMed 0.00273.

Submissions (2):

Illumina Laboratory Services, Illumina
Classification: Benign for Familial visceral amyloidosis, Ostertag type. Last evaluated: 2018-01-12. Review status: criteria provided, single submitter. Criteria: ICSL Variant Classification Criteria 13 December 2019. Collection method: clinical testing. Allele origin: germline.
Comment: This variant was observed in the ICSL laboratory as part of a predisposition screen in an ostensibly healthy population. It had not been previously curated by ICSL or reported in the Human Gene Mutation Database (HGMD: prior to June 1st, 2018), and was therefore a candidate for classification through an automated scoring system. Utilizing variant allele frequency, disease prevalence and penetrance estimates, and inheritance mode, an automated score was calculated to assess if this variant is too frequent to cause the disease. Based on the score and internal cut-off values, a variant classified as benign is not then subjected to further curation. The score for this variant resulted in a classification of benign for this disease.

Breakthrough Genomics
Classification: Benign. Review status: criteria provided, single submitter. Criteria: ACMG Guidelines, 2015. Collection method: not provided. Allele origin: germline. Inheritance: Autosomal dominant inheritance. Affected: yes.